The following is an entry in ClinVar:

ClinVar aggregate classification (germline): Likely pathogenic (1 of 4 stars; one submission).

Conditions:
Metaphyseal chondrodysplasia, Schmid type (MCDS). Also called: SPONDYLOMETAPHYSEAL DYSPLASIA, JAPANESE TYPE. Identifiers: Orphanet 174, MedGen C0265289, MONDO:0007983, OMIM 156500.

Submission:

Juno Genomics, Hangzhou Juno Genomics, Inc
Classification: Likely pathogenic for Metaphyseal chondrodysplasia, Schmid type. Review status: criteria provided, single submitter. Criteria: ACMG Guidelines, 2015. Collection method: clinical testing. Allele origin: germline. Affected: yes.
Comment: Absent from controls (or at extremely low frequency if recessive) in Genome Aggregation Database, Exome Sequencing Project, 1000 Genomes Project, or Exome Aggregation Consortium.;Null variant in a gene where loss of function (LOF) is a known mechanism of disease.;Patient's phenotype or family history is highly specific for a disease with a single genetic etiology.

NM_000493.4(COL10A1):c.1908_1914del (p.Ser637fs)

Genes: COL10A1 (collagen type X alpha 1 chain; minus strand), NT5DC1 (5'-nucleotidase domain containing 1; plus strand). Cytogenetic location: 6q22.1.
Variant type: Deletion.
Coding change: c.1908_1914del on transcript NM_000493.4 (MANE Select); coding-DNA positions 1908 to 1914, 7 bases deleted (TTCAGGG; older notation c.1908_1914delTTCAGGG).
Protein change: p.Ser637fs; shifts the reading frame from serine 637.
Molecular consequence: frameshift variant. On other transcripts: intron variant (1).
Genome position (GRCh38, 1-based): chr6:116,120,202-116,120,208, CCCTGAA deleted on the plus strand (TTCAGGG on the coding strand, the reverse complement: COL10A1 is on the minus strand). VCF-style (leftmost placement, unchanged base first): chr6-116120201-TCCCTGAA-T. GRCh37 (hg19) VCF-style: chr6-116441364-TCCCTGAA-T.
Other names: c.1908_1914del, p.Ser637fs (NM_001424106.1, NM_001424107.1); c.529+2257_529+2263del (NM_152729.3); short protein forms S637fs.
Identifiers: ClinVar variation 3764664 (VCV003764664.2).